The following is an entry in ClinVar:

ClinVar aggregate classification (germline): Likely benign. Review status: criteria provided, single submitter (1 of 4 stars). 2 submissions from 2 submitters: Likely benign (1). 1 of the submissions does not count toward it. Last evaluated 2017-12-27.

Conditions:
MYO1C-related disorder. Also called: MYO1C-related condition.

Allele frequency attached by ClinVar (database versions not stated): gnomAD 0.00004 and 0.00050; TOPMed 0.00015; ExAC 0.00223; 1000 Genomes Project 0.00260; 1000 Genomes Project 30x 0.00297.

Submissions (2):

GeneDx
Classification: Likely benign. Last evaluated: 2017-12-27. Review status: criteria provided, single submitter. Criteria: GeneDx Variant Classification (06012015). Collection method: clinical testing. Allele origin: germline. Affected: yes.
Comment: This variant is considered likely benign or benign based on one or more of the following criteria: it is a conservative change, it occurs at a poorly conserved position in the protein, it is predicted to be benign by multiple in silico algorithms, and/or has population frequency not consistent with disease.

PreventionGenetics, part of Exact Sciences
Classification: Benign for MYO1C-related condition. Last evaluated: 2019-05-23. Review status: no assertion criteria provided. Collection method: clinical testing. Allele origin: germline. Not counted in ClinVar's aggregate classification.
Comment: This variant is classified as benign based on ACMG/AMP sequence variant interpretation guidelines (Richards et al. 2015 PMID: 25741868, with internal and published modifications).

NM_001080779.2(MYO1C):c.1212+10C>T

Gene: MYO1C (myosin IC; minus strand). Cytogenetic location: 17p13.3.
Variant type: single nucleotide variant.
Coding change: c.1212+10C>T on transcript NM_001080779.2 (MANE Select); 10 bases into the intron after coding-DNA position 1212, C replaced by T.
Molecular consequence: intron variant.
Genome position (GRCh38, 1-based): chr17:1,478,606, G>A on the plus strand (C>T on the coding strand, the complement: MYO1C is on the minus strand). VCF-style: chr17-1478606-G-A. GRCh37 (hg19) VCF-style: chr17-1381900-G-A.
Other names: c.1107+10C>T (NM_033375.5); c.1155+10C>T (NM_001080950.2); c.1140+10C>T (NM_001363855.1).
Identifiers: ClinVar variation 513839 (VCV000513839.3), dbSNP rs553919184, ClinGen allele CA8267651.